The following is an entry in ClinVar:

ClinVar aggregate classification (germline): Conflicting classifications of pathogenicity. Review status: criteria provided, conflicting classifications (1 of 4 stars). 6 submissions from 6 submitters: Uncertain significance (3); Likely benign (2). 1 of the submissions does not count toward it. Last evaluated 2026-01-27.

Conditions:
Autosomal dominant Parkinson disease 8. Also called: LRRK2-Related Parkinson Disease; Parkinson disease 8; Parkinson disease 8, susceptibility to. Identifiers: Orphanet 411602, MedGen C1846862, MONDO:0011764, OMIM 607060.

Allele frequency attached by ClinVar (database versions not stated): ESP Exome Variant Server 0.00008; gnomAD 0.00011; TOPMed 0.00012; 1000 Genomes Project 0.00020; ExAC 0.00021; 1000 Genomes Project 30x 0.00031.
gnomAD v4.1: 151 of 1,612,120 alleles (0.0094%); highest among the groups gnomAD compares: East Asian, 0.016%; 1 homozygote.

Submissions (6):

Labcorp Genetics (formerly Invitae), Labcorp
Classification: Uncertain significance for Autosomal dominant Parkinson disease 8. Last evaluated: 2026-01-27. Review status: criteria provided, single submitter. Criteria: Invitae Variant Classification Sherloc (09022015). Collection method: clinical testing. Allele origin: germline.
Comment: This sequence change replaces alanine, which is neutral and non-polar, with valine, which is neutral and non-polar, at codon 211 of the LRRK2 protein (p.Ala211Val). This variant is present in population databases (rs112794616, gnomAD 0.04%), and has an allele count higher than expected for a pathogenic variant. This missense change has been observed in individual(s) with Parkinson disease (PMID: 17222106, 18213618, 19405094, 21885347, 29248340, 30598256). ClinVar contains an entry for this variant (Variation ID: 39223). Invitae Evidence Modeling of protein sequence and biophysical properties (such as structural, functional, and spatial information, amino acid conservation, physicochemical variation, residue mobility, and thermodynamic stability) has been performed for this missense variant. However, the output from this modeling did not meet the statistical confidence thresholds required to predict the impact of this variant on LRRK2 protein function. Experimental studies have shown that this missense change affects LRRK2 function (PMID: 20642453, 27832104). In summary, the available evidence is currently insufficient to determine the role of this variant in disease. Therefore, it has been classified as a Variant of Uncertain Significance.

Department of Pathology and Laboratory Medicine, Sinai Health System
Classification: Uncertain significance for Autosomal dominant Parkinson disease 8. Last evaluated: 2023-08-29. Review status: criteria provided, single submitter. Criteria: ACMG Guidelines, 2015. Collection method: research. Allele origin: germline.

CeGaT Center for Human Genetics Tuebingen
Classification: Likely benign. Last evaluated: 2022-11-01. Review status: criteria provided, single submitter. Criteria: CeGaT Center For Human Genetics Tuebingen Variant Classification Criteria Version 2. Collection method: clinical testing. Allele origin: germline. Affected: yes. Observed: 1 variant allele.
Comment: LRRK2: BP4

Mendelics
Classification: Uncertain significance for Autosomal dominant Parkinson disease 8. Last evaluated: 2019-05-28. Review status: criteria provided, single submitter. Criteria: Mendelics Assertion Criteria 2017. Collection method: clinical testing. Allele origin: unknown.

Illumina Laboratory Services, Illumina
Classification: Likely benign for Autosomal dominant Parkinson disease 8. Last evaluated: 2017-12-06. Review status: criteria provided, single submitter. Criteria: ICSL Variant Classification Criteria 13 December 2019. Collection method: clinical testing. Allele origin: germline.
Comment: This variant was observed as part of a predisposition screen in an ostensibly healthy population. A literature search was performed for the gene, cDNA change, and amino acid change (where applicable). Publications were found based on this search. The evidence from the literature, in combination with allele frequency data from public databases where available, was sufficient to determine this variant is unlikely to cause disease. Therefore, this variant is classified as likely benign.

GeneReviews
No classification provided. Condition: Autosomal dominant Parkinson disease 8. Review status: no classification provided. Collection method: literature only. Allele origin: unknown. Not counted in ClinVar's aggregate classification.

Literature cited by the submitters: PubMed 17222106 (cited by Labcorp Genetics (formerly Invitae), Labcorp and Illumina Laboratory Services, Illumina); PubMed 18213618 (cited by Labcorp Genetics (formerly Invitae), Labcorp); PubMed 19405094 (cited by Labcorp Genetics (formerly Invitae), Labcorp); PubMed 21885347 (cited by Labcorp Genetics (formerly Invitae), Labcorp and Illumina Laboratory Services, Illumina); PubMed 29248340 (cited by Labcorp Genetics (formerly Invitae), Labcorp); PubMed 30598256 (cited by Labcorp Genetics (formerly Invitae), Labcorp); PubMed 20642453 (cited by Labcorp Genetics (formerly Invitae), Labcorp); PubMed 27832104 (cited by Labcorp Genetics (formerly Invitae), Labcorp); PubMed 18973807 (cited by Illumina Laboratory Services, Illumina); PubMed 24488318 (cited by Illumina Laboratory Services, Illumina); PubMed 20301387 (cited by GeneReviews); NCBI Bookshelf NBK1208 (cited by GeneReviews).

NM_198578.4(LRRK2):c.632C>T (p.Ala211Val)

Gene: LRRK2 (leucine rich repeat kinase 2; plus strand). Cytogenetic location: 12q12.
Variant type: single nucleotide variant.
Coding change: c.632C>T on transcript NM_198578.4 (MANE Select); coding-DNA position 632, C replaced by T.
Protein change: p.Ala211Val; replaces alanine 211 with valine.
Molecular consequence: missense variant.
Genome position (GRCh38, 1-based): chr12:40,240,543, C>T. VCF-style: chr12-40240543-C-T. GRCh37 (hg19) VCF-style: chr12-40634345-C-T.
Other names: short protein forms A211V.
Identifiers: ClinVar variation 39223 (VCV000039223.38), dbSNP rs112794616, ClinGen allele CA343655.
Genomic context (GRCh38, chr12:40,240,543, plus strand): 5'-TCTCAGAGGAGCAACTGACTGAATTTGTTGAGAACAAAGATTATATGATATTGTTAAGTG[C>T]GTTAACAAATTTTAAAGATGAAGAGGAAATTGTGCTTCATGTGCTGCATTGTTTACATTC-3'
Protein context (NP_940980.4, residues 201-221): ENKDYMILLS[Ala211Val]LTNFKDEEEI